The following is an entry in ClinVar:

ClinVar aggregate classification (germline): Uncertain significance (1 of 4 stars; one submission).

Submission:

Labcorp Genetics (formerly Invitae), Labcorp
Classification: Uncertain significance. Last evaluated: 2022-09-13. Review status: criteria provided, single submitter. Criteria: Invitae Variant Classification Sherloc (09022015). Collection method: clinical testing. Allele origin: germline.
Comment: This sequence change replaces alanine, which is neutral and non-polar, with aspartic acid, which is acidic and polar, at codon 564 of the ADGRV1 protein (p.Ala564Asp). This variant is not present in population databases (gnomAD no frequency). This variant has not been reported in the literature in individuals affected with ADGRV1-related conditions. ClinVar contains an entry for this variant (Variation ID: 1386386). Advanced modeling of protein sequence and biophysical properties (such as structural, functional, and spatial information, amino acid conservation, physicochemical variation, residue mobility, and thermodynamic stability) performed at Invitae indicates that this missense variant is not expected to disrupt ADGRV1 protein function. In summary, the available evidence is currently insufficient to determine the role of this variant in disease. Therefore, it has been classified as a Variant of Uncertain Significance.

NM_032119.4(ADGRV1):c.1691C>A (p.Ala564Asp)

Gene: ADGRV1 (adhesion G protein-coupled receptor V1; plus strand). Cytogenetic location: 5q14.3.
Variant type: single nucleotide variant.
Coding change: c.1691C>A on transcript NM_032119.4 (MANE Select); coding-DNA position 1691, C replaced by A.
Protein change: p.Ala564Asp; replaces alanine 564 with aspartic acid.
Molecular consequence: missense variant. On other transcripts: non-coding transcript variant (1).
Genome position (GRCh38, 1-based): chr5:90,629,391, C>A. VCF-style: chr5-90629391-C-A. GRCh37 (hg19) VCF-style: chr5-89925208-C-A.
Other names: short protein forms A564D.
Identifiers: ClinVar variation 1386386 (VCV001386386.5), dbSNP rs2149383600, ClinGen allele CA360374834.